The following is an entry in ClinVar:

NM_182493.3(MYLK3):c.1568+5G>A

Gene: MYLK3 (myosin light chain kinase 3; minus strand). Cytogenetic location: 16q11.2.
Variant type: single nucleotide variant.
Coding change: c.1568+5G>A on transcript NM_182493.3 (MANE Select); 5 bases into the intron after coding-DNA position 1568, G replaced by A.
Molecular consequence: intron variant.
Genome position (GRCh38, 1-based): chr16:46,730,588, C>T on the plus strand (G>A on the coding strand, the complement: MYLK3 is on the minus strand). VCF-style: chr16-46730588-C-T. GRCh37 (hg19) VCF-style: chr16-46764500-C-T.
Other names: c.545+5G>A (NM_001308301.1).
Identifiers: ClinVar variation 4804594 (VCV004804594.1).
Genomic context (GRCh38, chr16:46,730,588, plus strand): 5'-GTGGTCCCGACCCTGCCCCGTGACTCCTGCTCTAAGCCCCCCAACCAAGGCAGATGCCCA[C>T]CTACCCTCCCAAGACTTCGTGCTGGCACACCTCGTAACCCGCAGAGATGGAGGTCTCCTT-3'

ClinVar aggregate classification (germline): Uncertain significance (1 of 4 stars; one submission).

gnomAD v4.1: 2 of 1,613,470 alleles (0.00012%); highest among the groups gnomAD compares: South Asian, 0.0011%; no homozygotes.

Submission:

Labcorp Genetics (formerly Invitae), Labcorp
Classification: Uncertain significance. Last evaluated: 2025-06-08. Review status: criteria provided, single submitter. Criteria: Invitae Variant Classification Sherloc (09022015). Collection method: clinical testing. Allele origin: germline.
Comment: This sequence change falls in intron 5 of the MYLK3 gene. It does not directly change the encoded amino acid sequence of the MYLK3 protein. It affects a nucleotide within the consensus splice site. This variant is not present in population databases (gnomAD no frequency). This variant has not been reported in the literature in individuals affected with MYLK3-related conditions. Variants that disrupt the consensus splice site are a relatively common cause of aberrant splicing (PMID: 17576681, 9536098). Algorithms developed to predict the effect of sequence changes on RNA splicing suggest that this variant may disrupt the consensus splice site. In summary, the available evidence is currently insufficient to determine the role of this variant in disease. Therefore, it has been classified as a Variant of Uncertain Significance.

Literature cited by the submitters: PubMed 17576681; PubMed 9536098.